The following is an entry in ClinVar:

ClinVar aggregate classification (germline): Uncertain significance (1 of 4 stars; one submission).

Conditions:
Hereditary cancer-predisposing syndrome. Also called: Neoplastic Syndromes, Hereditary; Tumor predisposition; Hereditary neoplastic syndrome; Hereditary Cancer Syndrome. Identifiers: Orphanet 140162, MedGen C0027672, MeSH D009386, MONDO:0015356.

Submission:

Ambry Genetics
Classification: Uncertain significance for Hereditary cancer-predisposing syndrome. Last evaluated: 2023-10-25. Review status: criteria provided, single submitter. Criteria: Ambry Variant Classification Scheme 2023. Collection method: clinical testing. Allele origin: germline.
Comment: The p.C1270G variant (also known as c.3808T>G), located in coding exon 9 of the BRCA1 gene, results from a T to G substitution at nucleotide position 3808. The cysteine at codon 1270 is replaced by glycine, an amino acid with highly dissimilar properties. This amino acid position is not well conserved in available vertebrate species. In addition, the in silico prediction for this alteration is inconclusive. Since supporting evidence is limited at this time, the clinical significance of this alteration remains unclear.

NM_007294.4(BRCA1):c.3808T>G (p.Cys1270Gly)

Genes: BRCA1 (BRCA1 DNA repair associated; minus strand), LOC126862571 (BRD4-independent group 4 enhancer GRCh37_chr17:41243136-41244335; plus strand). Cytogenetic location: 17q21.31.
Variant type: single nucleotide variant.
Coding change: c.3808T>G on transcript NM_007294.4 (MANE Select); coding-DNA position 3808, T replaced by G.
Protein change: p.Cys1270Gly; replaces cysteine 1270 with glycine.
Molecular consequence: missense variant. On other transcripts: intron variant (135).
Genome position (GRCh38, 1-based): chr17:43,091,723, A>C on the plus strand (T>G on the coding strand, the complement: BRCA1 is on the minus strand). VCF-style: chr17-43091723-A-C. GRCh37 (hg19) VCF-style: chr17-41243740-A-C.
Other names: c.3595T>G, p.Cys1199Gly (NM_001407571.1, NM_001407915.1, NM_001407916.1 and 9 more transcripts); c.3808T>G, p.Cys1270Gly (NM_001407581.1, NM_001407582.1, NM_001407583.1 and 30 more transcripts); c.3805T>G, p.Cys1269Gly (NM_001407587.1, NM_001407590.1, NM_001407591.1 and 22 more transcripts); c.3799T>G, p.Cys1267Gly (NM_001407646.1, NM_001407647.1); c.3685T>G, p.Cys1229Gly (NM_001407648.1, NM_001407664.1, NM_001407665.1 and 19 more transcripts); c.3682T>G, p.Cys1228Gly (NM_001407649.1, NM_001407670.1, NM_001407671.1 and 11 more transcripts); c.3730T>G, p.Cys1244Gly (NM_001407653.1, NM_001407654.1, NM_001407655.1 and 4 more transcripts); c.3727T>G, p.Cys1243Gly (NM_001407659.1, NM_001407660.1, NM_001407661.1 and 1 more transcripts); and 41 more; short protein forms C1102G, C1142G, C1143G, C1158G, C1159G, C1181G, C1182G, C1199G.
Identifiers: ClinVar variation 3226145 (VCV003226145.1), dbSNP rs2154285914, ClinGen allele CA10594352.